The following is an entry in ClinVar:

ClinVar aggregate classification (germline): Uncertain significance (1 of 4 stars; one submission).

Conditions:
Wiskott-Aldrich syndrome (WAS). Also called: Wiskott-aldrich syndrome, somatic; ALDRICH SYNDROME; IMMUNODEFICIENCY 2; WISKOTT-ALDRICH SYNDROME 1. Identifiers: Orphanet 906, MedGen C0043194, MONDO:0010518, OMIM 301000.
X-linked severe congenital neutropenia (SCNX). Identifiers: Orphanet 86788, MedGen C1845987, MONDO:0010294, OMIM 300299.
Thrombocytopenia 1. Also called: X-Linked Thrombocytopenia (XLT); THROMBOCYTOPENIA, X-LINKED, 1; X-linked thrombocytopenia with normal platelets. Identifiers: Orphanet 268322, Orphanet 852, MedGen C1839163, MONDO:0010743, OMIM 313900.

Submission:

Labcorp Genetics (formerly Invitae), Labcorp
Classification: Uncertain significance for Wiskott-Aldrich syndrome; X-linked severe congenital neutropenia; Thrombocytopenia 1. Last evaluated: 2021-05-08. Review status: criteria provided, single submitter. Criteria: Invitae Variant Classification Sherloc (09022015). Collection method: clinical testing. Allele origin: germline.
Comment: This sequence change replaces glutamic acid with alanine at codon 496 of the WAS protein (p.Glu496Ala). The glutamic acid residue is weakly conserved and there is a moderate physicochemical difference between glutamic acid and alanine. This variant is not present in population databases (ExAC no frequency). This variant has not been reported in the literature in individuals with WAS-related conditions. Experimental studies and prediction algorithms are not available or were not evaluated, and the functional significance of this variant is currently unknown. In summary, the available evidence is currently insufficient to determine the role of this variant in disease. Therefore, it has been classified as a Variant of Uncertain Significance.

NM_000377.3(WAS):c.1487A>C (p.Glu496Ala)

Gene: WAS (WASP actin nucleation promoting factor; plus strand). Cytogenetic location: Xp11.23.
Variant type: single nucleotide variant.
Coding change: c.1487A>C on transcript NM_000377.3 (MANE Select); coding-DNA position 1487, A replaced by C.
Protein change: p.Glu496Ala; replaces glutamic acid 496 with alanine.
Molecular consequence: missense variant.
Genome position (GRCh38, 1-based): chrX:48,691,140, A>C. VCF-style: chrX-48691140-A-C. GRCh37 (hg19) VCF-style: chrX-48549531-A-C.
Other names: short protein forms E496A.
Identifiers: ClinVar variation 1511304 (VCV001511304.6), dbSNP rs2147268585, ClinGen allele CA412874120.